The following is an entry in ClinVar:

NM_006506.5(RASA2):c.1213T>C (p.Cys405Arg)

Gene: RASA2 (RAS p21 protein activator 2; plus strand). Cytogenetic location: 3q23.
Variant type: single nucleotide variant.
Coding change: c.1213T>C on transcript NM_006506.5 (MANE Select); coding-DNA position 1213, T replaced by C.
Protein change: p.Cys405Arg; replaces cysteine 405 with arginine.
Molecular consequence: missense variant.
Genome position (GRCh38, 1-based): chr3:141,572,652, T>C. VCF-style: chr3-141572652-T-C. GRCh37 (hg19) VCF-style: chr3-141291494-T-C.
Other names: c.1213T>C, p.Cys405Arg (NM_001303245.3, NM_001303246.3); c.1213T>C (NM_006506.3); short protein forms C405R.
Identifiers: ClinVar variation 1751026 (VCV001751026.9), dbSNP rs2478720194, ClinGen allele CA354777496.
Genomic context (GRCh38, chr3:141,572,652, plus strand): 5'-ATCTATTTCTATTTCAGAGATGCAAACACAATTTTTAGAGGAAATTCCCTGGCTACCCGA[T>C]GTCTGGATGAGATGATGAAAATAGTGGGAGGGCACTACCTGAAAGTAACATTAAAACCTA-3'
Protein context (NP_006497.2, residues 395-415): IFRGNSLATR[Cys405Arg]LDEMMKIVGG

ClinVar aggregate classification (germline): Uncertain significance. Review status: criteria provided, multiple submitters, no conflicts (2 of 4 stars). 3 submissions from 3 submitters: Uncertain significance (3). Last evaluated 2026-09-01.

Conditions:
RASA2-related disorder. Also called: RASA2-related condition.

Allele frequency attached by ClinVar (database versions not stated): gnomAD exomes below 0.00001.
gnomAD v4.1: 4 of 1,613,662 alleles (0.00025%); highest among the groups gnomAD compares: Non-Finnish European, 0.00034%; no homozygotes.

Submissions (3):

PreventionGenetics, part of Exact Sciences
Classification: Uncertain significance for RASA2-related condition. Last evaluated: 2026-09-01. Review status: criteria provided, single submitter. Criteria: ACMG Guidelines, 2015. Collection method: clinical testing. Allele origin: germline.
Comment: The RASA2 c.1213T>C variant is predicted to result in the amino acid substitution p.Cys405Arg. To our knowledge, this variant has not been reported in the literature or in a large population database (gnomAD), indicating it is rare. It is classified as uncertain in ClinVar (Variation ID: 1751026). At this time, the clinical significance of this variant is uncertain due to the absence of conclusive functional and genetic evidence.

Ambry Genetics
Classification: Uncertain significance. Last evaluated: 2025-08-12. Review status: criteria provided, single submitter. Criteria: Ambry Variant Classification Scheme 2023. Collection method: clinical testing. Allele origin: germline.
Comment: The p.C405R variant (also known as c.1213T>C), located in coding exon 12 of the RASA2 gene, results from a T to C substitution at nucleotide position 1213. The cysteine at codon 405 is replaced by arginine, an amino acid with highly dissimilar properties. This amino acid position is conserved. In addition, this alteration is predicted to be deleterious by in silico analysis. Since supporting evidence is limited at this time, the clinical significance of this alteration remains unclear.

Labcorp Genetics (formerly Invitae), Labcorp
Classification: Uncertain significance. Last evaluated: 2022-04-04. Review status: criteria provided, single submitter. Criteria: Invitae Variant Classification Sherloc (09022015). Collection method: clinical testing. Allele origin: germline.
Comment: In summary, the available evidence is currently insufficient to determine the role of this variant in disease. Therefore, it has been classified as a Variant of Uncertain Significance. This variant has not been reported in the literature in individuals affected with RASA2-related conditions. This sequence change replaces cysteine, which is neutral and slightly polar, with arginine, which is basic and polar, at codon 405 of the RASA2 protein (p.Cys405Arg). This variant is not present in population databases (gnomAD no frequency). Algorithms developed to predict the effect of missense changes on protein structure and function are either unavailable or do not agree on the potential impact of this missense change (SIFT: "Tolerated"; PolyPhen-2: "Probably Damaging"; Align-GVGD: "Class C0").